The following is an entry in ClinVar:

NM_005188.4(CBL):c.2153+10C>T

Gene: CBL (Cbl proto-oncogene; plus strand). Cytogenetic location: 11q23.3.
Variant type: single nucleotide variant.
Coding change: c.2153+10C>T on transcript NM_005188.4 (MANE Select); 10 bases into the intron after coding-DNA position 2153, C replaced by T.
Molecular consequence: intron variant.
Genome position (GRCh38, 1-based): chr11:119,297,044, C>T. VCF-style: chr11-119297044-C-T. GRCh37 (hg19) VCF-style: chr11-119167754-C-T.
Identifiers: ClinVar variation 379122 (VCV000379122.6), dbSNP rs745316113, ClinGen allele CA6318688.
Genomic context (GRCh38, chr11:119,297,044, plus strand): 5'-GACTCCCTCTTCCAGGCCTCTACGGCCTTTGGATACATCCCAGAGTTCACGGTAGGTTCA[C>T]AACAACCCTTTTTGGGCCCTATACCTTTATGTGGGTAATTGACACCCTTCACCTGCTTGG-3'

ClinVar aggregate classification (germline): Likely benign. Review status: criteria provided, multiple submitters, no conflicts (2 of 4 stars). 3 submissions from 3 submitters: Likely benign (3). Last evaluated 2025-02-07.

Conditions:
RASopathy. Also called: rasopathies; Noonan spectrum disorder. Identifiers: Orphanet 536391, MedGen C5555857, MONDO:0021060.

Allele frequency attached by ClinVar (database versions not stated): TOPMed 0.00002; ExAC 0.00001; gnomAD 0.00001; gnomAD exomes 0.00001.
gnomAD v4.1: 15 of 1,429,688 alleles (0.001%); highest among the groups gnomAD compares: Non-Finnish European, 0.0013%; no homozygotes.

Submissions (3):

Labcorp Genetics (formerly Invitae), Labcorp
Classification: Likely benign for RASopathy. Last evaluated: 2025-02-07. Review status: criteria provided, single submitter. Criteria: Invitae Variant Classification Sherloc (09022015). Collection method: clinical testing. Allele origin: germline.

Blueprint Genetics
Classification: Likely benign. Last evaluated: 2023-10-24. Review status: criteria provided, single submitter. Criteria: ACMG Guidelines, 2015. Collection method: clinical testing. Allele origin: germline.

GeneDx
Classification: Likely benign. Last evaluated: 2016-03-22. Review status: criteria provided, single submitter. Criteria: GeneDx Variant Classification (06012015). Collection method: clinical testing. Allele origin: germline. Affected: yes.
Comment: This variant is considered likely benign or benign based on one or more of the following criteria: it is a conservative change, it occurs at a poorly conserved position in the protein, it is predicted to be benign by multiple in silico algorithms, and/or has population frequency not consistent with disease.